The following is an entry in ClinVar:

ClinVar aggregate classification (germline): Uncertain significance (1 of 4 stars; one submission).

Conditions:
Gray platelet syndrome (GPS). Also called: BLEEDING DISORDER, PLATELET-TYPE, 4. Identifiers: Orphanet 721, MedGen C0272302, MONDO:0007686, OMIM 139090.

Submission:

Juno Genomics, Hangzhou Juno Genomics, Inc
Classification: Uncertain significance for Gray platelet syndrome. Review status: criteria provided, single submitter. Criteria: ACMG Guidelines, 2015. Collection method: clinical testing. Allele origin: germline. Affected: yes.
Comment: Absent from controls (or at extremely low frequency if recessive) in Genome Aggregation Database, Exome Sequencing Project, 1000 Genomes Project, or Exome Aggregation Consortium.

NM_015175.3(NBEAL2):c.5423G>A (p.Arg1808His)

Gene: NBEAL2 (neurobeachin like 2; plus strand). Cytogenetic location: 3p21.31.
Variant type: single nucleotide variant.
Coding change: c.5423G>A on transcript NM_015175.3 (MANE Select); coding-DNA position 5423, G replaced by A.
Protein change: p.Arg1808His; replaces arginine 1808 with histidine.
Molecular consequence: missense variant.
Genome position (GRCh38, 1-based): chr3:47,002,766, G>A. VCF-style: chr3-47002766-G-A. GRCh37 (hg19) VCF-style: chr3-47044256-G-A.
Other names: c.5321G>A, p.Arg1774His (NM_001365116.2); short protein forms R1774H, R1808H.
Identifiers: ClinVar variation 3383122 (VCV003383122.2).